The following is an entry in ClinVar:

NM_003504.5(CDC45):c.520C>T (p.Arg174Trp)

Gene: CDC45 (cell division cycle 45; plus strand). Cytogenetic location: 22q11.21.
Variant type: single nucleotide variant.
Coding change: c.520C>T on transcript NM_003504.5 (MANE Select); coding-DNA position 520, C replaced by T.
Protein change: p.Arg174Trp; replaces arginine 174 with tryptophan.
Molecular consequence: missense variant. On other transcripts: non-coding transcript variant (1).
Genome position (GRCh38, 1-based): chr22:19,494,360, C>T. VCF-style: chr22-19494360-C-T. GRCh37 (hg19) VCF-style: chr22-19481883-C-T.
Other names: c.520C>T, p.Arg174Trp (NM_001178010.2); c.382C>T, p.Arg128Trp (NM_001178011.2); c.484C>T, p.Arg162Trp (NM_001369291.1); short protein forms R128W, R162W, R174W.
Identifiers: ClinVar variation 1003669 (VCV001003669.10), dbSNP rs184924520, ClinGen allele CA10101075.

ClinVar aggregate classification (germline): Conflicting classifications of pathogenicity. Review status: criteria provided, conflicting classifications (1 of 4 stars). 2 submissions from 2 submitters: Uncertain significance (1); Likely benign (1). Last evaluated 2025-08-29.

Allele frequency attached by ClinVar (database versions not stated): gnomAD 0.00007 and 0.00008; TOPMed 0.00014; 1000 Genomes Project 30x 0.00016; 1000 Genomes Project 0.00020; ExAC 0.00024; gnomAD exomes 0.00037.
gnomAD v4.1: 139 of 1,613,252 alleles (0.0086%); highest among the groups gnomAD compares: Admixed American, 0.2%; no homozygotes.

Submissions (2):

Labcorp Genetics (formerly Invitae), Labcorp
Classification: Likely benign. Last evaluated: 2025-08-29. Review status: criteria provided, single submitter. Criteria: Invitae Variant Classification Sherloc (09022015). Collection method: clinical testing. Allele origin: germline.

GeneDx
Classification: Uncertain significance. Last evaluated: 2024-09-30. Review status: criteria provided, single submitter. Criteria: GeneDx Variant Classification Process June 2021. Collection method: clinical testing. Allele origin: germline. Affected: yes.
Comment: In silico analysis supports that this missense variant has a deleterious effect on protein structure/function; Has not been previously published as pathogenic or benign to our knowledge